The following is an entry in ClinVar:

NM_002796.3(PSMB4):c.26C>T (p.Ser9Phe)

Gene: PSMB4 (proteasome 20S subunit beta 4; plus strand). Cytogenetic location: 1q21.3.
Variant type: single nucleotide variant.
Coding change: c.26C>T on transcript NM_002796.3 (MANE Select); coding-DNA position 26, C replaced by T.
Protein change: p.Ser9Phe; replaces serine 9 with phenylalanine.
Molecular consequence: missense variant.
Genome position (GRCh38, 1-based): chr1:151,399,613, C>T. VCF-style: chr1-151399613-C-T. GRCh37 (hg19) VCF-style: chr1-151372089-C-T.
Other names: c.26C>T (NM_002796.2); short protein forms S9F.
Identifiers: ClinVar variation 2170432 (VCV002170432.5), dbSNP rs768718256, ClinGen allele CA1090553.

ClinVar aggregate classification (germline): Uncertain significance. Review status: criteria provided, multiple submitters, no conflicts (2 of 4 stars). 2 submissions from 2 submitters: Uncertain significance (2). Last evaluated 2024-03-27.

Allele frequency attached by ClinVar (database versions not stated): ExAC 0.00001; gnomAD exomes 0.00002.
gnomAD v4.1: 23 of 1,613,656 alleles (0.0014%); highest among the groups gnomAD compares: Middle Eastern, 0.017%; no homozygotes.

Submissions (2):

Labcorp Genetics (formerly Invitae), Labcorp
Classification: Uncertain significance. Last evaluated: 2024-03-27. Review status: criteria provided, single submitter. Criteria: Invitae Variant Classification Sherloc (09022015). Collection method: clinical testing. Allele origin: germline.
Comment: This sequence change replaces serine, which is neutral and polar, with phenylalanine, which is neutral and non-polar, at codon 9 of the PSMB4 protein (p.Ser9Phe). This variant is present in population databases (rs768718256, gnomAD 0.002%). This variant has not been reported in the literature in individuals affected with PSMB4-related conditions. ClinVar contains an entry for this variant (Variation ID: 2170432). An algorithm developed to predict the effect of missense changes on protein structure and function (PolyPhen-2) suggests that this variant is likely to be tolerated. In summary, the available evidence is currently insufficient to determine the role of this variant in disease. Therefore, it has been classified as a Variant of Uncertain Significance.

Ambry Genetics
Classification: Uncertain significance. Last evaluated: 2022-12-21. Review status: criteria provided, single submitter. Criteria: Ambry Variant Classification Scheme 2023. Collection method: clinical testing. Allele origin: germline.